The following is an entry in ClinVar:

NM_001382567.1(STIM1):c.270+1G>C

Gene: STIM1 (stromal interaction molecule 1; plus strand). Cytogenetic location: 11p15.4.
Variant type: single nucleotide variant.
Coding change: c.270+1G>C on transcript NM_001382567.1 (MANE Select); the canonical splice donor site of the intron after coding-DNA position 270, G replaced by C.
Molecular consequence: splice donor variant. On other transcripts: intron variant (4).
Genome position (GRCh38, 1-based): chr11:3,967,683, G>C. VCF-style: chr11-3967683-G-C. GRCh37 (hg19) VCF-style: chr11-3988913-G-C.
Other names: c.48+1G>C (NM_001382578.1, NM_001382575.1, NM_001382576.1 and 5 more transcripts); c.-219-56190G>C (NM_001382580.1, NM_001382581.1); c.270+1G>C (NM_001382568.1, NM_001277962.2, NM_003156.4 and 3 more transcripts); c.136-56190G>C (NM_001382569.1); c.-98-56190G>C (NM_001382571.1).
Identifiers: ClinVar variation 4785692 (VCV004785692.1).

ClinVar aggregate classification (germline): Likely pathogenic (1 of 4 stars; one submission).

Conditions:
Combined immunodeficiency due to STIM1 deficiency. Also called: IMMUNODEFICIENCY 10; STIM1 DEFICIENCY. Identifiers: Orphanet 169090, Orphanet 317430, MedGen C2748557, MONDO:0013008, OMIM 612783.
Stormorken syndrome (STRMK). Also called: THROMBOCYTOPATHY, ASPLENIA, AND MIOSIS. Identifiers: Orphanet 3204, MedGen C1861451, MONDO:0008497, OMIM 185070.
Myopathy with tubular aggregates (TAM). Also called: Tubular Aggregate Myopathy. Identifiers: Orphanet 2593, MedGen C0410207, MONDO:0008051.

Submission:

Labcorp Genetics (formerly Invitae), Labcorp
Classification: Likely pathogenic for Myopathy with tubular aggregates; Combined immunodeficiency due to STIM1 deficiency; Stormorken syndrome. Last evaluated: 2025-10-06. Review status: criteria provided, single submitter. Criteria: Invitae Variant Classification Sherloc (09022015). Collection method: clinical testing. Allele origin: germline.
Comment: This sequence change affects a donor splice site in intron 2 of the STIM1 gene. It is expected to disrupt RNA splicing. Variants that disrupt the donor or acceptor splice site typically lead to a loss of protein function (PMID: 16199547), and loss-of-function variants in STIM1 are known to be pathogenic (PMID: 19420366, 20876309). This variant is not present in population databases (gnomAD no frequency). This variant has not been reported in the literature in individuals affected with STIM1-related conditions. Algorithms developed to predict the effect of sequence changes on RNA splicing suggest that this variant may disrupt the consensus splice site. In summary, the currently available evidence indicates that the variant is pathogenic, but additional data are needed to prove that conclusively. Therefore, this variant has been classified as Likely Pathogenic.

Literature cited by the submitters: PubMed 16199547; PubMed 19420366; PubMed 20876309.